The following is an entry in ClinVar:

ClinVar aggregate classification (germline): Uncertain significance (1 of 4 stars; one submission).

Conditions:
Multiple endocrine neoplasia, type 2 (MEN2). Identifiers: Orphanet 653, MedGen C4048306, MONDO:0019003. Disease mechanism: gain of function.

Submission:

Labcorp Genetics (formerly Invitae), Labcorp
Classification: Uncertain significance for Multiple endocrine neoplasia, type 2. Last evaluated: 2025-05-07. Review status: criteria provided, single submitter. Criteria: Invitae Variant Classification Sherloc (09022015). Collection method: clinical testing. Allele origin: germline.
Comment: This sequence change affects a donor splice site in intron 19 of the RET gene. While this variant is not anticipated to result in nonsense mediated decay, it likely alters RNA splicing and results in a disrupted protein product. This variant is not present in population databases (gnomAD no frequency). This variant has not been reported in the literature in individuals affected with RET-related conditions. Variants that disrupt the consensus splice site are a relatively common cause of aberrant splicing (PMID: 17576681, 9536098). Algorithms developed to predict the effect of sequence changes on RNA splicing suggest that this variant may disrupt the consensus splice site. In summary, the available evidence is currently insufficient to determine the role of this variant in disease. Therefore, it has been classified as a Variant of Uncertain Significance.

Literature cited by the submitters: PubMed 17576681; PubMed 9536098.

NM_020975.6(RET):c.3187+1G>T

Gene: RET (ret proto-oncogene; plus strand). Cytogenetic location: 10q11.21.
Variant type: single nucleotide variant.
Coding change: c.3187+1G>T on transcript NM_020975.6 (MANE Select); the canonical splice donor site of the intron after coding-DNA position 3187, G replaced by T.
Molecular consequence: splice donor variant. On other transcripts: missense variant (18), intron variant (4).
Genome position (GRCh38, 1-based): chr10:43,126,723, G>T. VCF-style: chr10-43126723-G-T. GRCh37 (hg19) VCF-style: chr10-43622171-G-T.
Other names: c.2426G>T, p.Gly809Val (NM_001355216.2); c.3059G>T, p.Gly1020Val (NM_001406764.1); c.3053G>T, p.Gly1018Val (NM_001406765.1); c.2924G>T, p.Gly975Val (NM_001406768.1); c.2900G>T, p.Gly967Val (NM_001406770.1); c.2792G>T, p.Gly931Val (NM_001406772.1); c.2750G>T, p.Gly917Val (NM_001406773.1); c.2663G>T, p.Gly888Val (NM_001406774.1); and 24 more; short protein forms G719V, G733V, G931V, G975V, G1020V, G764V, G809V, G821V.
Identifiers: ClinVar variation 4719122 (VCV004719122.1).
Genomic context (GRCh38, chr10:43,126,723, plus strand): 5'-GTAATAATGCCCCCCTCCCTCGAGCCCTCCCTTCCACATGGATTGAAAACAAACTCTATG[G>T]TAGAATTTCCCATGCATTTACTAGATTCTAGCACCGCTGTCCCCTTTGCACTATCCTTCC-3'